The following is an entry in ClinVar:

ClinVar aggregate classification (germline): Uncertain significance (1 of 4 stars; one submission).

Conditions:
Cardiomyopathy (CMYO). Also called: Cardiomyopathies. Identifiers: Orphanet 167848, MedGen C0878544, MONDO:0004994, HP:0001638. Inheritance: Various modes of inheritance.

Submission:

Color Diagnostics, LLC DBA Color Health
Classification: Uncertain significance for Cardiomyopathy. Last evaluated: 2025-08-30. Review status: criteria provided, single submitter. Criteria: ACMG Guidelines, 2015. Collection method: clinical testing. Allele origin: germline.
Comment: This missense variant replaces alanine with threonine at codon 417 of the MYBPC3 protein. Computational prediction suggests that this variant may not impact protein structure and function. To our knowledge, functional studies have not been reported for this variant. This variant has not been reported in individuals affected with MYBPC3-related disorders in the literature. This variant has not been identified in the general population by the Genome Aggregation Database (gnomAD). The available evidence is insufficient to determine the role of this variant in disease conclusively. Therefore, this variant is classified as a Variant of Uncertain Significance.

NM_000256.3(MYBPC3):c.1249G>A (p.Ala417Thr)

Gene: MYBPC3 (myosin binding protein C3; minus strand). Cytogenetic location: 11p11.2.
Variant type: single nucleotide variant.
Coding change: c.1249G>A on transcript NM_000256.3 (MANE Select); coding-DNA position 1249, G replaced by A.
Protein change: p.Ala417Thr; replaces alanine 417 with threonine.
Molecular consequence: missense variant.
Genome position (GRCh38, 1-based): chr11:47,343,123, C>T on the plus strand (G>A on the coding strand, the complement: MYBPC3 is on the minus strand). VCF-style: chr11-47343123-C-T. GRCh37 (hg19) VCF-style: chr11-47364674-C-T.
Other names: short protein forms A417T.
Identifiers: ClinVar variation 4757802 (VCV004757802.1).